The following is an entry in ClinVar:

NM_001041.4(SI):c.4135G>A (p.Val1379Met)

Gene: SI (sucrase-isomaltase; minus strand). Cytogenetic location: 3q26.1.
Variant type: single nucleotide variant.
Coding change: c.4135G>A on transcript NM_001041.4 (MANE Select); coding-DNA position 4135, G replaced by A.
Protein change: p.Val1379Met; replaces valine 1379 with methionine.
Molecular consequence: missense variant.
Genome position (GRCh38, 1-based): chr3:165,009,323, C>T on the plus strand (G>A on the coding strand, the complement: SI is on the minus strand). VCF-style: chr3-165009323-C-T. GRCh37 (hg19) VCF-style: chr3-164727111-C-T.
Other names: c.4135G>A (NM_001041.3); short protein forms V1379M.
Identifiers: ClinVar variation 1920435 (VCV001920435.3), dbSNP rs765778756, ClinGen allele CA2690001.

ClinVar aggregate classification (germline): Uncertain significance. Review status: criteria provided, multiple submitters, no conflicts (2 of 4 stars). 2 submissions from 2 submitters: Uncertain significance (2). Last evaluated 2025-03-24.

Conditions:
Inborn genetic diseases. Identifiers: MedGen C0950123, MeSH D030342.

Allele frequency attached by ClinVar (database versions not stated): ExAC 0.00001; gnomAD exomes 0.00001; TOPMed 0.00001.
gnomAD v4.1: 4 of 1,613,372 alleles (0.00025%); highest among the groups gnomAD compares: Admixed American, 0.005%; no homozygotes.

Submissions (2):

Ambry Genetics
Classification: Uncertain significance for Inborn genetic diseases. Last evaluated: 2025-03-24. Review status: criteria provided, single submitter. Criteria: Ambry Variant Classification Scheme 2023. Collection method: clinical testing. Allele origin: germline.

Labcorp Genetics (formerly Invitae), Labcorp
Classification: Uncertain significance. Last evaluated: 2022-06-16. Review status: criteria provided, single submitter. Criteria: Invitae Variant Classification Sherloc (09022015). Collection method: clinical testing. Allele origin: germline.
Comment: This sequence change replaces valine, which is neutral and non-polar, with methionine, which is neutral and non-polar, at codon 1379 of the SI protein (p.Val1379Met). This variant is present in population databases (rs765778756, gnomAD 0.003%). This variant has not been reported in the literature in individuals affected with SI-related conditions. Advanced modeling of protein sequence and biophysical properties (such as structural, functional, and spatial information, amino acid conservation, physicochemical variation, residue mobility, and thermodynamic stability) performed at Invitae indicates that this missense variant is not expected to disrupt SI protein function. In summary, the available evidence is currently insufficient to determine the role of this variant in disease. Therefore, it has been classified as a Variant of Uncertain Significance.